The following is an entry in ClinVar:

ClinVar aggregate classification (germline): Likely benign. Review status: criteria provided, multiple submitters, no conflicts (2 of 4 stars). 2 submissions from 2 submitters: Likely benign (2). Last evaluated 2026-07-01.

Conditions:
Inborn genetic diseases. Identifiers: MedGen C0950123, MeSH D030342.

Allele frequency attached by ClinVar (database versions not stated): gnomAD 0.00001; gnomAD exomes 0.00002; ExAC 0.00004; TOPMed 0.00004.
gnomAD v4.1: 16 of 1,614,054 alleles (0.00099%); highest among the groups gnomAD compares: Admixed American, 0.027%; no homozygotes.

Submissions (2):

CeGaT Center for Human Genetics Tuebingen
Classification: Likely benign. Last evaluated: 2026-07-01. Review status: criteria provided, single submitter. Criteria: CeGaT Center For Human Genetics Tuebingen Variant Classification Criteria Version 2. Collection method: clinical testing. Allele origin: germline. Affected: yes. Observed: 1 variant allele.
Comment: GEMIN5: BP4

Ambry Genetics
Classification: Likely benign for Inborn genetic diseases. Last evaluated: 2021-11-22. Review status: criteria provided, single submitter. Criteria: Ambry Variant Classification Scheme 2023. Collection method: clinical testing. Allele origin: germline.

NM_015465.5(GEMIN5):c.4499G>A (p.Arg1500Lys)

Gene: GEMIN5 (gem nuclear organelle associated protein 5; minus strand). Cytogenetic location: 5q33.2.
Variant type: single nucleotide variant.
Coding change: c.4499G>A on transcript NM_015465.5 (MANE Select); coding-DNA position 4499, G replaced by A.
Protein change: p.Arg1500Lys; replaces arginine 1500 with lysine.
Molecular consequence: missense variant.
Genome position (GRCh38, 1-based): chr5:154,888,238, C>T on the plus strand (G>A on the coding strand, the complement: GEMIN5 is on the minus strand). VCF-style: chr5-154888238-C-T. GRCh37 (hg19) VCF-style: chr5-154267798-C-T.
Other names: c.4496G>A, p.Arg1499Lys (NM_001252156.2); short protein forms R1499K, R1500K.
Identifiers: ClinVar variation 2376447 (VCV002376447.3), dbSNP rs778196566, ClinGen allele CA3528112.